The following is an entry in ClinVar:

NM_000321.3(RB1):c.265-6_265-4del

Gene: RB1 (RB transcriptional corepressor 1; plus strand). Cytogenetic location: 13q14.2.
Variant type: Deletion.
Coding change: c.265-6_265-4del on transcript NM_000321.3 (MANE Select); 6 bases into the intron before coding-DNA position 265 through 4 bases into the intron before coding-DNA position 265, 3 bases deleted (TCC; older notation c.265-6_265-4delTCC).
Molecular consequence: intron variant.
Genome position (GRCh38, 1-based): chr13:48,342,593-48,342,595, TCC deleted. VCF-style (leftmost placement, unchanged base first): chr13-48342592-TTCC-T. GRCh37 (hg19) VCF-style: chr13-48916728-TTCC-T.
Other names: c.265-6_265-4delTCC (NM_000321.2, NM_000321.3).
Identifiers: ClinVar variation 458156 (VCV000458156.18), dbSNP rs780733860, ClinGen allele CA036692.
Genomic context (GRCh38, chr13:48,342,592, plus strand): 5'-GTTTTAACATAGTATCCAGTGTGTGAATTATTTAATGAAATATTTGATCTTTATTTTTTG[TTCC>T]CAGGGAGGTTATATTCAAAAGAAAAAGGAACTGTGGGGAATCTGTATCTTTATTGCAGCA-3'

ClinVar aggregate classification (germline): Benign/Likely benign. Review status: criteria provided, multiple submitters, no conflicts (2 of 4 stars). 6 submissions from 6 submitters: Benign (3); Likely benign (3). Last evaluated 2026-06-18.

Conditions:
Hereditary cancer-predisposing syndrome. Also called: Hereditary neoplastic syndrome; Neoplastic Syndromes, Hereditary; Hereditary Cancer Syndrome; Tumor predisposition. Identifiers: Orphanet 140162, MedGen C0027672, MeSH D009386, MONDO:0015356.
Retinoblastoma (RB1). Also called: RETINOBLASTOMA, SOMATIC. Identifiers: Orphanet 790, MedGen C0035335, MeSH D012175, MONDO:0008380, OMIM 180200, HP:0009919. Disease mechanism: loss of function. Inheritance: Both sporadic and heritable forms are tested..

Allele frequency attached by ClinVar (database versions not stated): gnomAD 0.00003 and 0.00001; ExAC 0.00007; gnomAD exomes 0.00001 and 0.00005; TOPMed below 0.00001.

Submissions (6):

Myriad Genetics, Inc.
Classification: Likely benign for Retinoblastoma. Last evaluated: 2026-06-18. Review status: criteria provided, single submitter. Criteria: Myriad Autosomal Dominant, Autosomal Recessive and X-Linked Classification Criteria (2023). Collection method: clinical testing. Allele origin: unknown.
Comment: This variant is considered likely benign. This variant is intronic and is not expected to impact mRNA splicing. This variant has been observed at a population frequency that is significantly greater than expected given the associated disease prevalence and penetrance.

Labcorp Genetics (formerly Invitae), Labcorp
Classification: Benign for Retinoblastoma. Last evaluated: 2025-10-13. Review status: criteria provided, single submitter. Criteria: Invitae Variant Classification Sherloc (09022015). Collection method: clinical testing. Allele origin: germline.

Women's Health and Genetics/Laboratory Corporation of America, LabCorp
Classification: Benign. Last evaluated: 2024-11-06. Review status: criteria provided, single submitter. Criteria: LabCorp Variant Classification Summary - May 2015. Collection method: clinical testing. Allele origin: germline.

All of Us Research Program, National Institutes of Health
Classification: Likely benign for Retinoblastoma. Last evaluated: 2024-07-29. Review status: criteria provided, single submitter. Criteria: ACMG Guidelines, 2015. Collection method: clinical testing. Allele origin: germline. Inheritance: Autosomal dominant inheritance. Observed: 2 variant alleles, 2 heterozygotes.
Comment: This study involves interpretation of variants in research participants for the purpose of population health screening. Participant phenotype was not available at the time of variant classification. Additional details can be found in publication PMID: 35346344, PMCID: PMC8962531

Color Diagnostics, LLC DBA Color Health
Classification: Likely benign for Retinoblastoma. Last evaluated: 2022-04-25. Review status: criteria provided, single submitter. Criteria: ACMG Guidelines, 2015. Collection method: clinical testing. Allele origin: germline.

Ambry Genetics
Classification: Benign for Hereditary cancer-predisposing syndrome. Last evaluated: 2021-07-22. Review status: criteria provided, single submitter. Criteria: Ambry Variant Classification Scheme 2023. Collection method: clinical testing. Allele origin: germline.